The following is an entry in ClinVar:

ClinVar aggregate classification (germline): Uncertain significance. Review status: criteria provided, multiple submitters, no conflicts (2 of 4 stars). 2 submissions from 2 submitters: Uncertain significance (2). Last evaluated 2024-12-29.

Conditions:
Cerebral cavernous malformation 3. Also called: Familial Cerebral Cavernous Malformation 3. Identifiers: Orphanet 221061, MedGen C1864040, MONDO:0011305, OMIM 603285.
Inborn genetic diseases. Identifiers: MedGen C0950123, MeSH D030342.

Submissions (2):

Labcorp Genetics (formerly Invitae), Labcorp
Classification: Uncertain significance for Cerebral cavernous malformation 3. Last evaluated: 2024-12-29. Review status: criteria provided, single submitter. Criteria: Invitae Variant Classification Sherloc (09022015). Collection method: clinical testing. Allele origin: germline.
Comment: This sequence change replaces arginine, which is basic and polar, with glutamine, which is neutral and polar, at codon 196 of the PDCD10 protein (p.Arg196Gln). This variant is not present in population databases (gnomAD no frequency). This variant has not been reported in the literature in individuals affected with PDCD10-related conditions. An algorithm developed to predict the effect of missense changes on protein structure and function (PolyPhen-2) suggests that this variant is likely to be tolerated. In summary, the available evidence is currently insufficient to determine the role of this variant in disease. Therefore, it has been classified as a Variant of Uncertain Significance.

Ambry Genetics
Classification: Uncertain significance for Inborn genetic diseases. Last evaluated: 2024-10-08. Review status: criteria provided, single submitter. Criteria: Ambry Variant Classification Scheme 2023. Collection method: clinical testing. Allele origin: germline.

NM_007217.4(PDCD10):c.587G>A (p.Arg196Gln)

Gene: PDCD10 (programmed cell death 10; minus strand). Cytogenetic location: 3q26.1.
Variant type: single nucleotide variant.
Coding change: c.587G>A on transcript NM_007217.4 (MANE Select); coding-DNA position 587, G replaced by A.
Protein change: p.Arg196Gln; replaces arginine 196 with glutamine.
Molecular consequence: missense variant.
Genome position (GRCh38, 1-based): chr3:167,684,360, C>T on the plus strand (G>A on the coding strand, the complement: PDCD10 is on the minus strand). VCF-style: chr3-167684360-C-T. GRCh37 (hg19) VCF-style: chr3-167402148-C-T.
Other names: c.587G>A, p.Arg196Gln (NM_145859.2, NM_145860.2); short protein forms R196Q.
Identifiers: ClinVar variation 3416050 (VCV003416050.3).